The following is an entry in ClinVar:

NM_000455.5(STK11):c.805A>G (p.Lys269Glu)

Gene: STK11 (serine/threonine kinase 11; plus strand). Cytogenetic location: 19p13.3.
Variant type: single nucleotide variant.
Coding change: c.805A>G on transcript NM_000455.5 (MANE Select); coding-DNA position 805, A replaced by G.
Protein change: p.Lys269Glu; replaces lysine 269 with glutamic acid.
Molecular consequence: missense variant.
Genome position (GRCh38, 1-based): chr19:1,221,283, A>G. VCF-style: chr19-1221283-A-G. GRCh37 (hg19) VCF-style: chr19-1221282-A-G.
Other names: short protein forms K269E.
Identifiers: ClinVar variation 827427 (VCV000827427.4), dbSNP rs1599927641, ClinGen allele CA402950569.

ClinVar aggregate classification (germline): Uncertain significance (1 of 4 stars; one submission).

Conditions:
Hereditary cancer-predisposing syndrome. Also called: Neoplastic Syndromes, Hereditary; Tumor predisposition; Hereditary neoplastic syndrome; Hereditary Cancer Syndrome. Identifiers: Orphanet 140162, MedGen C0027672, MeSH D009386, MONDO:0015356.

Allele frequency attached by ClinVar (database versions not stated): gnomAD exomes below 0.00001.
gnomAD v4.1: 1 of 1,611,762 alleles (0.000062%); highest among the groups gnomAD compares: Non-Finnish European, 0.000085%; no homozygotes.

Submission:

Ambry Genetics
Classification: Uncertain significance for Hereditary cancer-predisposing syndrome. Last evaluated: 2018-06-18. Review status: criteria provided, single submitter. Criteria: Ambry Variant Classification Scheme 2023. Collection method: clinical testing. Allele origin: germline.
Comment: The p.K269E variant (also known as c.805A>G), located in coding exon 6 of the STK11 gene, results from an A to G substitution at nucleotide position 805. The lysine at codon 269 is replaced by glutamic acid, an amino acid with similar properties. This amino acid position is well conserved in available vertebrate species. In addition, this alteration is predicted to be tolerated by in silico analysis. Since supporting evidence is limited at this time, the clinical significance of this alteration remains unclear.